The following is an entry in ClinVar:

NM_000088.4(COL1A1):c.1200+5G>C

Gene: COL1A1 (collagen type I alpha 1 chain; minus strand). Cytogenetic location: 17q21.33.
Variant type: single nucleotide variant.
Coding change: c.1200+5G>C on transcript NM_000088.4 (MANE Select); 5 bases into the intron after coding-DNA position 1200, G replaced by C.
Molecular consequence: intron variant.
Genome position (GRCh38, 1-based): chr17:50,195,429, C>G on the plus strand (G>C on the coding strand, the complement: COL1A1 is on the minus strand). VCF-style: chr17-50195429-C-G. GRCh37 (hg19) VCF-style: chr17-48272790-C-G.
Identifiers: ClinVar variation 2766131 (VCV002766131.3), dbSNP rs374322003, ClinGen allele CA2697560370.
Genomic context (GRCh38, chr17:50,195,429, plus strand): 5'-AGAGGGAAAGGGGCAGGCAGGCTGCAGGCGGCAGGAGTGGGACTGAAGCCTGGCAGGATA[C>G]TTACATTGGCACCTTTAGCACCAGGCTGTCCATCAGCACCAGGGTTTCCCTGTGGCACAG-3'

ClinVar aggregate classification (germline): Uncertain significance (1 of 4 stars; one submission).

Conditions:
Osteogenesis imperfecta type I (OI1). Also called: Classic Non-deforming Osteogenesis Imperfecta with Blue Sclerae; OI, TYPE I; OSTEOGENESIS IMPERFECTA TARDA; OSTEOGENESIS IMPERFECTA WITH BLUE SCLERAE; Osteogenesis imperfecta type 1; Lobstein's Disease. Identifiers: Orphanet 216796, Orphanet 666, MedGen C0023931, MONDO:0008146, OMIM 166200. Disease mechanism: loss of function.

Submission:

Labcorp Genetics (formerly Invitae), Labcorp
Classification: Uncertain significance for Osteogenesis imperfecta type I. Last evaluated: 2023-11-17. Review status: criteria provided, single submitter. Criteria: Invitae Variant Classification Sherloc (09022015). Collection method: clinical testing. Allele origin: germline.
Comment: This sequence change falls in intron 18 of the COL1A1 gene. It does not directly change the encoded amino acid sequence of the COL1A1 protein. It affects a nucleotide within the consensus splice site. This variant is not present in population databases (gnomAD no frequency). This variant has not been reported in the literature in individuals affected with COL1A1-related conditions. Variants that disrupt the consensus splice site are a relatively common cause of aberrant splicing (PMID: 17576681, 9536098). Algorithms developed to predict the effect of sequence changes on RNA splicing suggest that this variant may disrupt the consensus splice site. In summary, the available evidence is currently insufficient to determine the role of this variant in disease. Therefore, it has been classified as a Variant of Uncertain Significance.

Literature cited by the submitters: PubMed 17576681; PubMed 9536098.